The following is an entry in ClinVar:

NM_001297.5(CNGB1):c.2514T>C (p.Phe838=)

Gene: CNGB1 (cyclic nucleotide gated channel subunit beta 1; minus strand). Cytogenetic location: 16q21.
Variant type: single nucleotide variant.
Coding change: c.2514T>C on transcript NM_001297.5 (MANE Select); coding-DNA position 2514, T replaced by C.
Protein change: p.Phe838=; no amino-acid change (phenylalanine 838 retained).
Molecular consequence: synonymous variant.
Genome position (GRCh38, 1-based): chr16:57,904,854, A>G on the plus strand (T>C on the coding strand, the complement: CNGB1 is on the minus strand). VCF-style: chr16-57904854-A-G. GRCh37 (hg19) VCF-style: chr16-57938758-A-G.
Other names: c.2496T>C, p.Phe832= (NM_001286130.2).
Identifiers: ClinVar variation 887180 (VCV000887180.12), dbSNP rs370767664, ClinGen allele CA8082948.

ClinVar aggregate classification (germline): Benign/Likely benign. Review status: criteria provided, multiple submitters, no conflicts (2 of 4 stars). 2 submissions from 2 submitters: Benign (1); Likely benign (1). Last evaluated 2026-02-01.

Conditions:
Retinitis pigmentosa (RP). Identifiers: Orphanet 791, MedGen C0035334, MeSH D012174, MONDO:0019200, OMIM 268000. Inheritance: Autosomal dominant, autosomal recessive and X linked inheritance.

Allele frequency attached by ClinVar (database versions not stated): gnomAD 0.00016 and 0.00178; ESP Exome Variant Server 0.00025; TOPMed 0.00046; gnomAD exomes 0.00320 and 0.00669; ExAC 0.00773; 1000 Genomes Project 30x 0.01202; 1000 Genomes Project 0.01298.
gnomAD v4.1: 5,020 of 1,614,198 alleles (0.31%); highest among the groups gnomAD compares: South Asian, 5%; 177 homozygotes.

Submissions (2):

Labcorp Genetics (formerly Invitae), Labcorp
Classification: Benign. Last evaluated: 2026-02-01. Review status: criteria provided, single submitter. Criteria: Invitae Variant Classification Sherloc (09022015). Collection method: clinical testing. Allele origin: germline.

Illumina Laboratory Services, Illumina
Classification: Likely benign for Retinitis pigmentosa. Last evaluated: 2018-01-13. Review status: criteria provided, single submitter. Criteria: ICSL Variant Classification Criteria 13 December 2019. Collection method: clinical testing. Allele origin: germline.
Comment: This variant was observed in the ICSL laboratory as part of a predisposition screen in an ostensibly healthy population. It had not been previously curated by ICSL or reported in the Human Gene Mutation Database (HGMD: prior to June 1st, 2018), and was therefore a candidate for classification through an automated scoring system. Utilizing variant allele frequency, disease prevalence and penetrance estimates, and inheritance mode, an automated score was calculated to assess if this variant is too frequent to cause the disease. Based on the score and internal cut-off values, a variant classified as likely benign is not then subjected to further curation. The score for this variant resulted in a classification of likely benign for this disease.